The following is an entry in ClinVar:

NC_000009.11:g.(?_133327616)_(133327740_?)del

Gene: ASS1 (argininosuccinate synthase 1; plus strand). Cytogenetic location: 9q34.11.
Variant type: Deletion.
Identifiers: ClinVar variation 3245089 (VCV003245089.1).

ClinVar aggregate classification (germline): Pathogenic (1 of 4 stars; one submission).

Conditions:
Citrullinemia. Identifiers: Orphanet 187, MedGen C0175683, MONDO:0015991.

Submission:

Labcorp Genetics (formerly Invitae), Labcorp
Classification: Pathogenic for Citrullinemia. Last evaluated: 2023-02-16. Review status: criteria provided, single submitter. Criteria: Invitae Variant Classification Sherloc (09022015). Collection method: clinical testing. Allele origin: unknown.
Comment: This variant is a gross deletion of the genomic region encompassing exon(s) 3 of the ASS1 gene, which includes the initiator codon. This deletion extends beyond the assayed region for this gene and therefore may encompass additional genes. It is expected to result in an absent or disrupted protein product. Loss-of-function variants in ASS1 are known to be pathogenic (PMID: 18473344, 19006241). This variant has not been reported in the literature in individuals affected with ASS1-related conditions. For these reasons, this variant has been classified as Pathogenic.

Literature cited by the submitters: PubMed 18473344; PubMed 19006241.